The following is an entry in ClinVar:

ClinVar aggregate classification (germline): Uncertain significance (1 of 4 stars; one submission).

Conditions:
DiGeorge syndrome. Also called: THIRD AND FOURTH PHARYNGEAL POUCH SYNDROME; Catch22. Identifiers: Orphanet 567, MedGen C0012236, MONDO:0008564, OMIM 188400.

Submission:

Labcorp Genetics (formerly Invitae), Labcorp
Classification: Uncertain significance for DiGeorge syndrome. Last evaluated: 2025-03-27. Review status: criteria provided, single submitter. Criteria: Invitae Variant Classification Sherloc (09022015). Collection method: clinical testing. Allele origin: germline.
Comment: This sequence change replaces aspartic acid, which is acidic and polar, with asparagine, which is neutral and polar, at codon 151 of the TBX1 protein (p.Asp151Asn). This variant is not present in population databases (gnomAD no frequency). This variant has not been reported in the literature in individuals affected with TBX1-related conditions. Invitae Evidence Modeling of protein sequence and biophysical properties (such as structural, functional, and spatial information, amino acid conservation, physicochemical variation, residue mobility, and thermodynamic stability) indicates that this missense variant is not expected to disrupt TBX1 protein function with a negative predictive value of 80%. In summary, the available evidence is currently insufficient to determine the role of this variant in disease. Therefore, it has been classified as a Variant of Uncertain Significance.

NM_001379200.1(TBX1):c.478G>A (p.Asp160Asn)

Gene: TBX1 (T-box transcription factor 1; plus strand). Cytogenetic location: 22q11.21.
Variant type: single nucleotide variant.
Coding change: c.478G>A on transcript NM_001379200.1 (MANE Select); coding-DNA position 478, G replaced by A.
Protein change: p.Asp160Asn; replaces aspartic acid 160 with asparagine.
Molecular consequence: missense variant.
Genome position (GRCh38, 1-based): chr22:19,763,281, G>A. VCF-style: chr22-19763281-G-A. GRCh37 (hg19) VCF-style: chr22-19750804-G-A.
Other names: c.451G>A, p.Asp151Asn (NM_005992.1, NM_080646.2, NM_080647.1); short protein forms D151N, D160N.
Identifiers: ClinVar variation 4745517 (VCV004745517.1).